The following is an entry in ClinVar:

ClinVar aggregate classification (germline): Pathogenic. Review status: criteria provided, single submitter (1 of 4 stars). 2 submissions from 2 submitters: Pathogenic (1). 1 of the submissions does not count toward it. Last evaluated 2023-12-04.

Conditions:
Hypertrophic cardiomyopathy. Also called: HYPERTROPHIC MYOCARDIOPATHY. Identifiers: Orphanet 217569, MedGen C0007194, MeSH D002312, MONDO:0005045, HP:0001639.

Submissions (2):

Labcorp Genetics (formerly Invitae), Labcorp
Classification: Pathogenic for Hypertrophic cardiomyopathy. Last evaluated: 2023-12-04. Review status: criteria provided, single submitter. Criteria: Invitae Variant Classification Sherloc (09022015). Collection method: clinical testing. Allele origin: germline.
Comment: This sequence change creates a premature translational stop signal (p.Val178Glyfs*7) in the MYBPC3 gene. It is expected to result in an absent or disrupted protein product. Loss-of-function variants in MYBPC3 are known to be pathogenic (PMID: 19574547). This variant is not present in population databases (gnomAD no frequency). This premature translational stop signal has been observed in individual(s) with hypertrophic cardiomyopathy (PMID: 25611685). ClinVar contains an entry for this variant (Variation ID: 164148). For these reasons, this variant has been classified as Pathogenic.

Laboratory for Molecular Medicine, Mass General Brigham Personalized Medicine
Classification: Pathogenic for Hypertrophic cardiomyopathy. Last evaluated: 2013-03-05. Review status: no assertion criteria provided. Collection method: clinical testing. Allele origin: germline. Inheritance: Autosomal dominant inheritance. Observed: 3 variant alleles. Not counted in ClinVar's aggregate classification.
Comment: proposed classification - variant undergoing re-assessment, contact laboratory

Literature cited by the submitters: PubMed 19574547 (cited by Labcorp Genetics (formerly Invitae), Labcorp); PubMed 25611685 (cited by Labcorp Genetics (formerly Invitae), Labcorp).

NM_000256.3(MYBPC3):c.533del (p.Val178fs)

Gene: MYBPC3 (myosin binding protein C3; minus strand). Cytogenetic location: 11p11.2.
Variant type: Deletion.
Coding change: c.533del on transcript NM_000256.3 (MANE Select); coding-DNA position 533, one base deleted (T; older notation c.533delT).
Protein change: p.Val178fs; shifts the reading frame from valine 178.
Molecular consequence: frameshift variant.
Genome position (GRCh38, 1-based): chr11:47,349,895, A deleted on the plus strand (T on the coding strand, the reverse complement: MYBPC3 is on the minus strand). VCF-style (leftmost placement, unchanged base first): chr11-47349894-CA-C. GRCh37 (hg19) VCF-style: chr11-47371445-CA-C.
Other names: c.533delT (NM_000256.3); c.533del, p.Val178fs (LRG_386t1); short protein forms V178fs.
Identifiers: ClinVar variation 164148 (VCV000164148.13), dbSNP rs727503217, ClinGen allele CA015433.
Genomic context (GRCh38, chr11:47,349,894, plus strand): 5'-GTCCACCCATTTGCCCTTGAACCACTTGACCACAGGCGGCTTCAGGAGGCTGGCGCCGGC[CA>C]CGCGGGCTGAGAAGGTGATGCTGCCACCTGCAAAGGCAGGGGCGACAGGCCCGGCTTGGG-3'